The following is an entry in ClinVar:

NM_014712.3(SETD1A):c.7C>T (p.Gln3Ter)

Gene: SETD1A (SET domain containing 1A, histone lysine methyltransferase; plus strand). Cytogenetic location: 16p11.2.
Variant type: single nucleotide variant.
Coding change: c.7C>T on transcript NM_014712.3 (MANE Select); coding-DNA position 7, C replaced by T.
Protein change: p.Gln3Ter; replaces glutamine 3 with a stop codon.
Molecular consequence: nonsense.
Genome position (GRCh38, 1-based): chr16:30,958,738, C>T. VCF-style: chr16-30958738-C-T. GRCh37 (hg19) VCF-style: chr16-30970059-C-T.
Other names: short protein forms Q3*.
Identifiers: ClinVar variation 1708243 (VCV001708243.2), dbSNP rs2543831672, ClinGen allele CA395645474.

ClinVar aggregate classification (germline): Likely pathogenic (1 of 4 stars; one submission).

Conditions:
Neurodevelopmental disorder with speech impairment and dysmorphic facies. Identifiers: MedGen C5436699, MONDO:0033630, OMIM 619056.

Submission:

Genetics Laboratory, UDIAT-Centre Diagnòstic, Hospital Universitari Parc Tauli
Classification: Likely pathogenic for Neurodevelopmental disorder with speech impairment and dysmorphic facies. Last evaluated: 2022-10-04. Review status: criteria provided, single submitter. Criteria: Parc Tauli Hospital Assertion Criteria 2021. Collection method: clinical testing. Allele origin: unknown. Inheritance: Autosomal dominant inheritance. Affected: yes.
Comment: PVS1;PM2_supporting